The following is an entry in ClinVar:

ClinVar aggregate classification (germline): Pathogenic (1 of 4 stars; one submission).

Submission:

Labcorp Genetics (formerly Invitae), Labcorp
Classification: Pathogenic. Last evaluated: 2025-03-19. Review status: criteria provided, single submitter. Criteria: Invitae Variant Classification Sherloc (09022015). Collection method: clinical testing. Allele origin: germline.
Comment: This sequence change creates a premature translational stop signal (p.Ala140Aspfs*25) in the KMT2B gene. It is expected to result in an absent or disrupted protein product. Loss-of-function variants in KMT2B are known to be pathogenic (PMID: 27839873, 27992417). This variant is not present in population databases (gnomAD no frequency). This variant has not been reported in the literature in individuals affected with KMT2B-related conditions. For these reasons, this variant has been classified as Pathogenic.

Literature cited by the submitters: PubMed 27839873; PubMed 27992417.

NM_014727.3(KMT2B):c.417_423del (p.Ala140fs)

Gene: KMT2B (lysine methyltransferase 2B; plus strand). Cytogenetic location: 19q13.12.
Variant type: Microsatellite.
Coding change: c.417_423del on transcript NM_014727.3 (MANE Select); coding-DNA positions 417 to 423, 7 bases deleted (TGCGCTC; older notation c.417_423delTGCGCTC).
Protein change: p.Ala140fs; shifts the reading frame from alanine 140.
Molecular consequence: frameshift variant.
Genome position (GRCh38, 1-based): chr19:35,719,522-35,719,528, TGCGCTC deleted; deleting any 7 consecutive bases within chr19:35,719,514-35,719,528 gives the same sequence; the c. name uses the placement nearest the transcript's 3' end. VCF-style (leftmost placement, unchanged base first): chr19-35719513-CCTGCGCT-C. GRCh37 (hg19) VCF-style: chr19-36210415-CCTGCGCT-C.
Other names: short protein forms A140fs.
Identifiers: ClinVar variation 4710571 (VCV004710571.1).